The following is an entry in ClinVar:

ClinVar aggregate classification (germline): Uncertain significance (1 of 4 stars; one submission).

Submission:

CeGaT Center for Human Genetics Tuebingen
Classification: Uncertain significance. Last evaluated: 2024-09-01. Review status: criteria provided, single submitter. Criteria: CeGaT Center For Human Genetics Tuebingen Variant Classification Criteria Version 2. Collection method: clinical testing. Allele origin: germline. Affected: yes. Observed: 1 variant allele.
Comment: NKX2-5: PM2

NM_004387.4(NKX2-5):c.344C>G (p.Ala115Gly)

Gene: NKX2-5 (NK2 homeobox 5; minus strand). Cytogenetic location: 5q35.1.
Variant type: single nucleotide variant.
Coding change: c.344C>G on transcript NM_004387.4 (MANE Select); coding-DNA position 344, C replaced by G.
Protein change: p.Ala115Gly; replaces alanine 115 with glycine.
Molecular consequence: missense variant. On other transcripts: 3 prime UTR variant (2).
Genome position (GRCh38, 1-based): chr5:173,233,200, G>C on the plus strand (C>G on the coding strand, the complement: NKX2-5 is on the minus strand). VCF-style: chr5-173233200-G-C. GRCh37 (hg19) VCF-style: chr5-172660203-G-C.
Other names: c.*297C>G (NM_001166175.2); c.*143C>G (NM_001166176.2); short protein forms A115G.
Identifiers: ClinVar variation 3389582 (VCV003389582.14).